The following is an entry in ClinVar:

ClinVar aggregate classification (germline): Conflicting classifications of pathogenicity. Review status: criteria provided, conflicting classifications (1 of 4 stars). 2 submissions from 2 submitters: Uncertain significance (1); Likely benign (1). Last evaluated 2026-07-22.

Conditions:
FIG4-related disorder. Also called: FIG4-related condition; FIG4-related disorders.
Charcot-Marie-Tooth disease type 4. Also called: Charcot-Marie-Tooth disease, type IV; Charcot-Marie-Tooth, Type 4. Identifiers: Orphanet 64749, MedGen C4082197, MONDO:0018995.

Submissions (2):

PreventionGenetics, part of Exact Sciences
Classification: Uncertain significance for FIG4-related condition. Last evaluated: 2026-07-22. Review status: criteria provided, single submitter. Criteria: ACMG Guidelines, 2015. Collection method: clinical testing. Allele origin: germline.
Comment: The FIG4 c.877-8_877-5delCTTT variant is predicted to result in an intronic deletion. This variant is predicted to impact splicing based on splicing prediction programs (SpliceAI, Jaganathan et al. 2019. PubMed ID: 30661751). However, the use of computer prediction programs is not equivalent to functional evidence. To our knowledge, this variant has not been reported in the literature. This variant is reported in 0.0062% of alleles in individuals of African descent in gnomAD. At this time, the clinical significance of this variant is uncertain due to the absence of conclusive functional and genetic evidence.

Labcorp Genetics (formerly Invitae), Labcorp
Classification: Likely benign for Charcot-Marie-Tooth disease type 4. Last evaluated: 2025-09-12. Review status: criteria provided, single submitter. Criteria: Invitae Variant Classification Sherloc (09022015). Collection method: clinical testing. Allele origin: germline.

NM_014845.6(FIG4):c.877-8_877-5del

Gene: FIG4 (FIG4 phosphoinositide 5-phosphatase; plus strand). Cytogenetic location: 6q21.
Variant type: Microsatellite.
Coding change: c.877-8_877-5del on transcript NM_014845.6 (MANE Select); 8 bases into the intron before coding-DNA position 877 through 5 bases into the intron before coding-DNA position 877, 4 bases deleted (CTTT; older notation c.877-8_877-5delCTTT).
Molecular consequence: intron variant.
Genome position (GRCh38, 1-based): chr6:109,743,102-109,743,105, CTTT deleted; deleting any 4 consecutive bases within chr6:109,743,098-109,743,105 gives the same sequence; the c. name uses the placement nearest the transcript's 3' end. VCF-style (leftmost placement, unchanged base first): chr6-109743097-CCTTT-C. GRCh37 (hg19) VCF-style: chr6-110064300-CCTTT-C.
Other names: c.877-8_877-5delCTTT (NM_014845.5).
Identifiers: ClinVar variation 3626379 (VCV003626379.3).